The following is an entry in ClinVar:

ClinVar aggregate classification (germline): Likely pathogenic (1 of 4 stars; one submission).

Conditions:
Ehlers-Danlos syndrome, dermatosparaxis type. Also called: EDS VIIC; Dermatosparaxis; Ehlers-Danlos syndrome, type VII, autosomal recessive. Identifiers: Orphanet 1901, MedGen C2700425, MONDO:0009161, OMIM 225410.

Submission:

Myriad Genetics, Inc.
Classification: Likely pathogenic for Ehlers-Danlos syndrome, dermatosparaxis type. Last evaluated: 2022-02-28. Review status: criteria provided, single submitter. Criteria: Myriad Women's Health Autosomal Recessive and X-Linked Classification Criteria (2021). Collection method: clinical testing. Allele origin: unknown.
Comment: NM_014244.4(ADAMTS2):c.46delC(L16Cfs*149) is expected to be pathogenic in the context of Ehlers-Danlos syndrome type VIIC. This variant is predicted to lead to an abnormal or absent protein product due to the creation of a premature termination codon in ADAMTS2, a gene where loss-of-function variants are known to be pathogenic. Please note: this variant was assessed in the context of healthy population screening.

NM_014244.5(ADAMTS2):c.46del (p.Leu16fs)

Gene: ADAMTS2 (ADAM metallopeptidase with thrombospondin type 1 motif 2; minus strand). Cytogenetic location: 5q35.3.
Variant type: Deletion.
Coding change: c.46del on transcript NM_014244.5 (MANE Select); coding-DNA position 46, one base deleted (C; older notation c.46delC).
Protein change: p.Leu16fs; shifts the reading frame from leucine 16.
Molecular consequence: frameshift variant.
Genome position (GRCh38, 1-based): chr5:179,345,283, G deleted on the plus strand (C on the coding strand, the reverse complement: ADAMTS2 is on the minus strand). VCF-style (leftmost placement, unchanged base first): chr5-179345282-AG-A. GRCh37 (hg19) VCF-style: chr5-178772283-AG-A.
Other names: c.46del, p.Leu16fs (NM_021599.4); short protein forms L16fs.
Identifiers: ClinVar variation 1724827 (VCV001724827.2), dbSNP rs2532193734, ClinGen allele CA2580074177.
Genomic context (GRCh38, chr5:179,345,282, plus strand): 5'-TTCGCGGGCGGCGGCGGCGGCGGCAGGAGCGGCGGCGGCAGCAGCAGCAGCAGCAGCAGC[AG>A]CGCGGGGCAGAGCAGGCGGCGAGCGGCTCCCGCCGGCGGATCCATGGCAGCCGGACTGCA-3'